The following is an entry in ClinVar:

NM_130384.3(ATRIP):c.733del (p.Thr245fs)

Genes: ATRIP (ATR interacting protein; plus strand), ATRIP-TREX1 (ATRIP-TREX1 readthrough; plus strand). Cytogenetic location: 3p21.31.
Variant type: Deletion.
Coding change: c.733del on transcript NM_130384.3 (MANE Select); coding-DNA position 733, one base deleted (A; older notation c.733delA).
Protein change: p.Thr245fs; shifts the reading frame from threonine 245.
Molecular consequence: frameshift variant. On other transcripts: non-coding transcript variant (1).
Genome position (GRCh38, 1-based): chr3:48,457,320, A deleted; the last of 5 consecutive A bases (chr3:48,457,316-48,457,320); deleting any one gives the same sequence. VCF-style (leftmost placement, unchanged base first): chr3-48457315-GA-G. GRCh37 (hg19) VCF-style: chr3-48498715-GA-G.
Other names: c.352del, p.Thr118fs (NM_001271022.2); c.454del, p.Thr152fs (NM_001271023.2); c.733del, p.Thr245fs (NM_032166.4); short protein forms T118fs, T152fs, T245fs.
Identifiers: ClinVar variation 4867203 (VCV004867203.1).
Genomic context (GRCh38, chr3:48,457,315, plus strand): 5'-CCAGTCCTAGGAAAAACCCTTCTGTGGTTATAAAGCCAGAAGCATGTTCTCCACAATTTG[GA>G]AAAACATCTTTTCCTACAAAGGAGTCTTTTAGTGCTAACATGTCCCTTCCCCACCCCTGC-3'

ClinVar aggregate classification (germline): Uncertain significance (1 of 4 stars; one submission).

Submission:

Ambry Genetics
Classification: Uncertain significance. Last evaluated: 2026-04-02. Review status: criteria provided, single submitter. Criteria: Ambry Variant Classification Scheme 2023. Collection method: clinical testing. Allele origin: germline.
Comment: The c.733delA variant, located in coding exon 5 of the ATRIP gene, results from a deletion of one nucleotide at nucleotide position 733, causing a translational frameshift with a predicted alternate stop codon (p.T245Hfs*39). The evidence for this gene-disease relationship is limited; therefore, the clinical significance of this variant is unclear.